The following is an entry in ClinVar:

ClinVar aggregate classification (germline): Uncertain significance (1 of 4 stars; one submission).

Submission:

Labcorp Genetics (formerly Invitae), Labcorp
Classification: Uncertain significance. Last evaluated: 2024-12-03. Review status: criteria provided, single submitter. Criteria: Invitae Variant Classification Sherloc (09022015). Collection method: clinical testing. Allele origin: germline.
Comment: This sequence change creates a premature translational stop signal (p.Val552Glufs*28) in the CFB gene. It is expected to result in an absent or disrupted protein product. However, the current clinical and genetic evidence is not sufficient to establish whether loss-of-function variants in CFB cause disease. This variant is not present in population databases (gnomAD no frequency). This variant has not been reported in the literature in individuals affected with CFB-related conditions. ClinVar contains an entry for this variant (Variation ID: 2029486). In summary, the available evidence is currently insufficient to determine the role of this variant in disease. Therefore, it has been classified as a Variant of Uncertain Significance.

NM_001710.6(CFB):c.1655del (p.Val552fs)

Gene: CFB (complement factor B; plus strand). Cytogenetic location: 6p21.33.
Variant type: Deletion.
Coding change: c.1655del on transcript NM_001710.6 (MANE Select); coding-DNA position 1655, one base deleted (T; older notation c.1655delT).
Protein change: p.Val552fs; shifts the reading frame from valine 552.
Molecular consequence: frameshift variant.
Genome position (GRCh38, 1-based): chr6:31,950,649, T deleted. VCF-style (leftmost placement, unchanged base first): chr6-31950648-GT-G. GRCh37 (hg19) VCF-style: chr6-31918425-GT-G.
Other names: short protein forms V552fs.
Identifiers: ClinVar variation 2029486 (VCV002029486.4), dbSNP rs2482706727, ClinGen allele CA2580074275.